The following is an entry in ClinVar:

NM_024426.6(WT1):c.1405G>T (p.Asp469Tyr)

Gene: WT1 (WT1 transcription factor; minus strand). Cytogenetic location: 11p13.
Variant type: single nucleotide variant.
Coding change: c.1405G>T on transcript NM_024426.6 (MANE Select); coding-DNA position 1405, G replaced by T.
Protein change: p.Asp469Tyr; replaces aspartic acid 469 with tyrosine.
Molecular consequence: missense variant. On other transcripts: non-coding transcript variant (1).
Genome position (GRCh38, 1-based): chr11:32,392,014, C>A on the plus strand (G>T on the coding strand, the complement: WT1 is on the minus strand). VCF-style: chr11-32392014-C-A. GRCh37 (hg19) VCF-style: chr11-32413560-C-A.
Other names: c.1354G>T, p.Asp452Tyr (NM_000378.6, NM_001407045.1); c.754G>T, p.Asp252Tyr (NM_001198551.2); c.703G>T, p.Asp235Tyr (NM_001198552.2); c.217G>T, p.Asp73Tyr (NM_001367854.1); c.1399G>T, p.Asp467Tyr (NM_001407044.1); c.1282G>T, p.Asp428Tyr (NM_001407047.1); c.1264G>T, p.Asp422Tyr (NM_001407048.1); c.1231G>T, p.Asp411Tyr (NM_001407050.1); and 4 more; short protein forms D252Y, D452Y, D469Y, D235Y, D73Y, D411Y, D447Y, D215Y.
Identifiers: ClinVar variation 547167 (VCV000547167.3), dbSNP rs28941778, ClinGen allele CA379958830.

ClinVar aggregate classification (germline): Pathogenic/Likely pathogenic. Review status: criteria provided, multiple submitters, no conflicts (2 of 4 stars). 2 submissions from 2 submitters: Pathogenic (1); Likely pathogenic (1). Last evaluated 2023-03-12.

Conditions:
Drash syndrome (DDS). Also called: NEPHROPATHY, WILMS TUMOR, AND GENITAL ANOMALIES; WILMS TUMOR AND PSEUDO- OR TRUE HERMAPHRODITISM. Identifiers: Orphanet 220, MedGen C0950121, MONDO:0008682, OMIM 194080.
Nephrotic syndrome, type 4 (NPHS4). Also called: Familial mesangial sclerosis; Nephrotic syndrome, early onset with diffuse mesangial sclerosis. Identifiers: Orphanet 656, MedGen C3151568, MONDO:0009733, OMIM 256370.
WT1-related disorder. Also called: WT1-related disorders. Identifiers: MedGen CN377814.

Submissions (2):

PreventionGenetics, part of Exact Sciences
Classification: Pathogenic for WT1-related condition. Last evaluated: 2023-03-12. Review status: criteria provided, single submitter. Criteria: ACMG Guidelines, 2015. Collection method: clinical testing. Allele origin: germline.
Comment: The WT1 c.1390G>T variant is predicted to result in the amino acid substitution p.Asp464Tyr. This variant has been reported in an individual with early onset Denys Drash syndrome (reported as D396Y, Little et al. 2000. PubMed ID: 10738002). This variant has also been reported as a de novo variant in an individual with WT1-related nephropathy and in an individual from a cohort of pediatric patients with segmental glomerulosclerosis and focal segmental glomerulosclerosis (SRNS/FSGS) with end-stage renal disease (ESRD)(Table S4, Mestek-Boukhibar et al. 2018. PubMed ID: 30049826; reported as D469Y, Supplementary Table S2, Park et al. 2020. PubMed ID: 32604935). Other variants affecting the same amino acid (Asp464) have been reported in individuals with Denys Drash Syndrome/Nephrotic Syndrome (reported as Asp396His, Hakan et al. 2012. PubMed ID: 22876585; reported as Asp396Gly and Asp396Asn, Pelletier et al. 1991. PubMed ID: 1655284; reported as D396N, Table 3, Li et al. 2010. PubMed ID: 20442690). This variant has not been reported in a large population database, indicating this variant is rare. Taken together, the WT1 c.1390G>T (p.Asp464Tyr) variant is interpreted as pathogenic.

Centre for Translational Omics - GOSgene, University College London
Classification: Likely pathogenic for Drash syndrome; Nephrotic syndrome, type 4. Last evaluated: 2018-03-16. Review status: criteria provided, single submitter. Criteria: ACMG Guidelines, 2015. Collection method: clinical testing. Allele origin: de novo. Affected: yes.